The following is an entry in ClinVar:

ClinVar aggregate classification (germline): Benign/Likely benign. Review status: criteria provided, multiple submitters, no conflicts (2 of 4 stars). 13 submissions from 13 submitters: Benign (6); Likely benign (4). 3 of the submissions do not count toward it. Last evaluated 2026-09-01.

Conditions:
Aortic aneurysm, familial thoracic 8 (AAT8). Identifiers: MedGen C3809513, MONDO:0014187, OMIM 615436.
Familial thoracic aortic aneurysm and aortic dissection (TAAD). Also called: Thoracic aortic aneurysms and dissections. Identifiers: Orphanet 91387, MedGen C4707243, MONDO:0019625.

Allele frequency attached by ClinVar (database versions not stated): 1000 Genomes Project 0.00100; 1000 Genomes Project 30x 0.00125; ExAC 0.00389; gnomAD exomes 0.00391 and 0.00592; gnomAD 0.00405 and 0.00439; TOPMed 0.00428; ESP Exome Variant Server 0.00592.
gnomAD v4.1: 9,296 of 1,612,176 alleles (0.58%); highest among the groups gnomAD compares: Non-Finnish European, 0.71%; 34 homozygotes.

Submissions (13):

CeGaT Center for Human Genetics Tuebingen
Classification: Likely benign. Last evaluated: 2026-09-01. Review status: criteria provided, single submitter. Criteria: CeGaT Center For Human Genetics Tuebingen Variant Classification Criteria Version 2. Collection method: clinical testing. Allele origin: germline. Affected: yes. Observed: 12 variant alleles.
Comment: PRKG1: BP4, BS2

Labcorp Genetics (formerly Invitae), Labcorp
Classification: Benign for Aortic aneurysm, familial thoracic 8. Last evaluated: 2026-02-03. Review status: criteria provided, single submitter. Criteria: Invitae Variant Classification Sherloc (09022015). Collection method: clinical testing. Allele origin: germline.

ARUP Laboratories, Molecular Genetics and Genomics, ARUP Laboratories
Classification: Benign for Aortic aneurysm, familial thoracic 8. Last evaluated: 2025-04-10. Review status: criteria provided, single submitter. Criteria: ARUP Molecular Germline Variant Investigation Process 2024. Collection method: clinical testing. Allele origin: germline.

Molecular Diagnostic Laboratory for Inherited Cardiovascular Disease, Montreal Heart Institute
Classification: Benign. Last evaluated: 2025-04-09. Review status: criteria provided, single submitter. Criteria: ACMG Guidelines, 2015. Collection method: clinical testing. Allele origin: germline. Affected: no.

Blueprint Genetics
Classification: Likely benign. Last evaluated: 2024-11-27. Review status: criteria provided, single submitter. Criteria: ACMG Guidelines, 2015. Collection method: clinical testing. Allele origin: germline.

Mayo Clinic Laboratories, Mayo Clinic
Classification: Benign. Last evaluated: 2024-03-11. Review status: criteria provided, single submitter. Criteria: ACMG Guidelines, 2015. Collection method: clinical testing. Allele origin: germline. Observed: 14 variant alleles.
Comment: BS1, BS2, BP4, BP7

Women's Health and Genetics/Laboratory Corporation of America, LabCorp
Classification: Benign. Last evaluated: 2023-07-21. Review status: criteria provided, single submitter. Criteria: LabCorp Variant Classification Summary - May 2015. Collection method: clinical testing. Allele origin: germline.

GeneDx
Classification: Benign. Last evaluated: 2016-10-13. Review status: criteria provided, single submitter. Criteria: GeneDx Variant Classification (06012015). Collection method: clinical testing. Allele origin: germline. Affected: yes.
Comment: This variant is considered likely benign or benign based on one or more of the following criteria: it is a conservative change, it occurs at a poorly conserved position in the protein, it is predicted to be benign by multiple in silico algorithms, and/or has population frequency not consistent with disease.

Ambry Genetics
Classification: Likely benign for Familial thoracic aortic aneurysm and aortic dissection. Last evaluated: 2015-04-08. Review status: criteria provided, single submitter. Criteria: Ambry Variant Classification Scheme 2023. Collection method: clinical testing. Allele origin: germline.

Breakthrough Genomics
Classification: Likely benign. Review status: criteria provided, single submitter. Criteria: ACMG Guidelines, 2015. Collection method: not provided. Allele origin: germline. Inheritance: Autosomal dominant inheritance. Affected: yes.

Clinical Genetics DNA and cytogenetics Diagnostics Lab, Erasmus MC, Erasmus Medical Center
Classification: Likely benign. Review status: no assertion criteria provided. Collection method: clinical testing. Allele origin: germline. Affected: yes. Study: VKGL Data-share Consensus. Not counted in ClinVar's aggregate classification.

Genome Diagnostics Laboratory, Amsterdam University Medical Center
Classification: Benign. Review status: no assertion criteria provided. Collection method: clinical testing. Allele origin: germline. Affected: yes. Study: VKGL Data-share Consensus. Not counted in ClinVar's aggregate classification.

Genome Diagnostics Laboratory, University Medical Center Utrecht
Classification: Benign. Review status: no assertion criteria provided. Collection method: clinical testing. Allele origin: germline. Affected: yes. Study: VKGL Data-share Consensus. Not counted in ClinVar's aggregate classification.

NM_006258.4(PRKG1):c.426C>T (p.Asp142=)

Gene: PRKG1 (protein kinase cGMP-dependent 1; plus strand). Cytogenetic location: 10q21.1.
Variant type: single nucleotide variant.
Coding change: c.426C>T on transcript NM_006258.4 (MANE Select); coding-DNA position 426, C replaced by T.
Protein change: p.Asp142=; no amino-acid change (aspartic acid 142 retained).
Molecular consequence: synonymous variant.
Genome position (GRCh38, 1-based): chr10:51,153,278, C>T. VCF-style: chr10-51153278-C-T. GRCh37 (hg19) VCF-style: chr10-52913038-C-T.
Other names: p.Asp142=; c.381C>T, p.Asp127= (NM_001098512.3, LRG_1135t2); c.426C>T, p.Asp142= (LRG_1135t1).
Identifiers: ClinVar variation 240642 (VCV000240642.60), dbSNP rs55754654, ClinGen allele CA5503125.
Genomic context (GRCh38, chr10:51,153,278, plus strand): 5'-GGAGCTGTCGCAGATCCAGGAGATTGTGGATTGTATGTACCCGGTGGAGTATGGCAAGGA[C>T]AGTTGCATCATCAAAGAAGGAGACGTGGGGTCACTGGTGTATGTCATGGAAGGTACGGTT-3'
Protein context (NP_006249.1, residues 132-152): DCMYPVEYGK[Asp142=]SCIIKEGDVG